The following is an entry in ClinVar:

ClinVar aggregate classification (germline): Likely benign (1 of 4 stars; one submission).

Allele frequency attached by ClinVar (database versions not stated): ExAC 0.00001; gnomAD exomes 0.00001.
gnomAD v4.1: 9 of 1,440,926 alleles (0.00062%); highest among the groups gnomAD compares: South Asian, 0.0099%; no homozygotes.

Submission:

GeneDx
Classification: Likely benign. Last evaluated: 2017-08-12. Review status: criteria provided, single submitter. Criteria: GeneDx Variant Classification (06012015). Collection method: clinical testing. Allele origin: germline. Affected: yes.
Comment: This variant is considered likely benign or benign based on one or more of the following criteria: it is a conservative change, it occurs at a poorly conserved position in the protein, it is predicted to be benign by multiple in silico algorithms, and/or has population frequency not consistent with disease.

NM_032861.4(SERAC1):c.852+8A>C

Gene: SERAC1 (serine active site containing 1; minus strand). Cytogenetic location: 6q25.3.
Variant type: single nucleotide variant.
Coding change: c.852+8A>C on transcript NM_032861.4 (MANE Select); 8 bases into the intron after coding-DNA position 852, A replaced by C.
Molecular consequence: intron variant.
Genome position (GRCh38, 1-based): chr6:158,130,365, T>G on the plus strand (A>C on the coding strand, the complement: SERAC1 is on the minus strand). VCF-style: chr6-158130365-T-G. GRCh37 (hg19) VCF-style: chr6-158551397-T-G.
Identifiers: ClinVar variation 511077 (VCV000511077.1), dbSNP rs755495765, ClinGen allele CA4071255.